The following is an entry in ClinVar:

ClinVar aggregate classification (germline): Uncertain significance (1 of 4 stars; one submission).

Submission:

Labcorp Genetics (formerly Invitae), Labcorp
Classification: Uncertain significance. Last evaluated: 2023-11-06. Review status: criteria provided, single submitter. Criteria: Invitae Variant Classification Sherloc (09022015). Collection method: clinical testing. Allele origin: germline.
Comment: This sequence change replaces aspartic acid, which is acidic and polar, with asparagine, which is neutral and polar, at codon 612 of the COL9A3 protein (p.Asp612Asn). This variant is not present in population databases (gnomAD no frequency). This variant has not been reported in the literature in individuals affected with COL9A3-related conditions. Advanced modeling of protein sequence and biophysical properties (such as structural, functional, and spatial information, amino acid conservation, physicochemical variation, residue mobility, and thermodynamic stability) performed at Invitae indicates that this missense variant is not expected to disrupt COL9A3 protein function with a negative predictive value of 95%. In summary, the available evidence is currently insufficient to determine the role of this variant in disease. Therefore, it has been classified as a Variant of Uncertain Significance.

NM_001853.4(COL9A3):c.1834G>A (p.Asp612Asn)

Gene: COL9A3 (collagen type IX alpha 3 chain; plus strand). Cytogenetic location: 20q13.33.
Variant type: single nucleotide variant.
Coding change: c.1834G>A on transcript NM_001853.4 (MANE Select); coding-DNA position 1834, G replaced by A.
Protein change: p.Asp612Asn; replaces aspartic acid 612 with asparagine.
Molecular consequence: missense variant.
Genome position (GRCh38, 1-based): chr20:62,838,731, G>A. VCF-style: chr20-62838731-G-A. GRCh37 (hg19) VCF-style: chr20-61470083-G-A.
Other names: short protein forms D612N.
Identifiers: ClinVar variation 2722633 (VCV002722633.3), dbSNP rs2516093629, ClinGen allele CA409600165.